The following is an entry in ClinVar:

ClinVar aggregate classification (germline): Uncertain significance (1 of 4 stars; one submission).

Allele frequency attached by ClinVar (database versions not stated): gnomAD exomes below 0.00001.

Submission:

Labcorp Genetics (formerly Invitae), Labcorp
Classification: Uncertain significance. Last evaluated: 2023-10-13. Review status: criteria provided, single submitter. Criteria: Invitae Variant Classification Sherloc (09022015). Collection method: clinical testing. Allele origin: germline.
Comment: This sequence change falls in intron 5 of the GALNT12 gene. It does not directly change the encoded amino acid sequence of the GALNT12 protein. It affects a nucleotide within the consensus splice site. This variant is not present in population databases (gnomAD no frequency). This variant has not been reported in the literature in individuals affected with GALNT12-related conditions. ClinVar contains an entry for this variant (Variation ID: 660401). Variants that disrupt the consensus splice site are a relatively common cause of aberrant splicing (PMID: 17576681, 9536098). Algorithms developed to predict the effect of sequence changes on RNA splicing suggest that this variant may disrupt the consensus splice site. In summary, the available evidence is currently insufficient to determine the role of this variant in disease. Therefore, it has been classified as a Variant of Uncertain Significance.

Literature cited by the submitters: PubMed 17576681; PubMed 9536098.

NM_024642.5(GALNT12):c.1035+2dup

Gene: GALNT12 (polypeptide N-acetylgalactosaminyltransferase 12; plus strand). Cytogenetic location: 9q22.33.
Variant type: Duplication.
Coding change: c.1035+2dup on transcript NM_024642.5 (MANE Select); the canonical splice donor site of the intron after coding-DNA position 1035, one base duplicated (T; older notation c.1035+2dupT).
Molecular consequence: splice donor variant.
Genome position (GRCh38, 1-based): chr9:98,835,368, T duplicated. VCF-style (leftmost placement, unchanged base first): chr9-98835367-G-GT. GRCh37 (hg19) VCF-style: chr9-101597649-G-GT.
Other names: c.1035+2dupT (NM_024642.4).
Identifiers: ClinVar variation 660401 (VCV000660401.6), dbSNP rs1588452568, ClinGen allele CA915947117.